The following is an entry in ClinVar:

ClinVar aggregate classification (germline): Uncertain significance (1 of 4 stars; one submission).

gnomAD v4.1: 2 of 1,610,094 alleles (0.00012%); highest among the groups gnomAD compares: Non-Finnish European, 0.00017%; no homozygotes.

Submission:

Labcorp Genetics (formerly Invitae), Labcorp
Classification: Uncertain significance. Last evaluated: 2024-11-12. Review status: criteria provided, single submitter. Criteria: Invitae Variant Classification Sherloc (09022015). Collection method: clinical testing. Allele origin: germline.
Comment: This sequence change replaces alanine, which is neutral and non-polar, with proline, which is neutral and non-polar, at codon 320 of the MYLK3 protein (p.Ala320Pro). This variant is not present in population databases (gnomAD no frequency). This variant has not been reported in the literature in individuals affected with MYLK3-related conditions. An algorithm developed to predict the effect of missense changes on protein structure and function (PolyPhen-2) suggests that this variant is likely to be tolerated. In summary, the available evidence is currently insufficient to determine the role of this variant in disease. Therefore, it has been classified as a Variant of Uncertain Significance.

NM_182493.3(MYLK3):c.958G>C (p.Ala320Pro)

Gene: MYLK3 (myosin light chain kinase 3; minus strand). Cytogenetic location: 16q11.2.
Variant type: single nucleotide variant.
Coding change: c.958G>C on transcript NM_182493.3 (MANE Select); coding-DNA position 958, G replaced by C.
Protein change: p.Ala320Pro; replaces alanine 320 with proline.
Molecular consequence: missense variant. On other transcripts: intron variant (1).
Genome position (GRCh38, 1-based): chr16:46,737,754, C>G on the plus strand (G>C on the coding strand, the complement: MYLK3 is on the minus strand). VCF-style: chr16-46737754-C-G. GRCh37 (hg19) VCF-style: chr16-46771666-C-G.
Other names: c.-23+2303G>C (NM_001308301.1); short protein forms A320P.
Identifiers: ClinVar variation 3608441 (VCV003608441.2).